The following is an entry in ClinVar:

NM_001378120.1(MBD5):c.2711G>A (p.Ser904Asn)

Gene: MBD5 (methyl-CpG binding domain protein 5; plus strand). Cytogenetic location: 2q23.1.
Variant type: single nucleotide variant.
Coding change: c.2711G>A on transcript NM_001378120.1 (MANE Select); coding-DNA position 2711, G replaced by A.
Protein change: p.Ser904Asn; replaces serine 904 with asparagine.
Molecular consequence: missense variant.
Genome position (GRCh38, 1-based): chr2:148,483,302, G>A. VCF-style: chr2-148483302-G-A. GRCh37 (hg19) VCF-style: chr2-149240871-G-A.
Other names: c.2711G>A, p.Ser904Asn (NM_018328.5); short protein forms S904N.
Identifiers: ClinVar variation 95902 (VCV000095902.12), dbSNP rs398124344, ClinGen allele CA223528.

ClinVar aggregate classification (germline): Uncertain significance. Review status: criteria provided, multiple submitters, no conflicts (2 of 4 stars). 3 submissions from 3 submitters: Uncertain significance (3). Last evaluated 2023-12-04.

Conditions:
Intellectual developmental disorder, autosomal dominant 1. Also called: MBD5 Haploinsufficiency; Intellectual disability, autosomal dominant 1. Identifiers: Orphanet 228402, MedGen C1969562, MONDO:0007974, OMIM 156200.

Allele frequency attached by ClinVar (database versions not stated): gnomAD 0.00004; gnomAD exomes 0.00002; TOPMed 0.00002.
gnomAD v4.1: 30 of 1,613,852 alleles (0.0019%); highest among the groups gnomAD compares: Non-Finnish European, 0.0025%; no homozygotes.

Submissions (3):

Labcorp Genetics (formerly Invitae), Labcorp
Classification: Uncertain significance for Intellectual developmental disorder, autosomal dominant 1. Last evaluated: 2023-12-04. Review status: criteria provided, single submitter. Criteria: Invitae Variant Classification Sherloc (09022015). Collection method: clinical testing. Allele origin: germline.
Comment: This sequence change replaces serine, which is neutral and polar, with asparagine, which is neutral and polar, at codon 904 of the MBD5 protein (p.Ser904Asn). This variant is not present in population databases (gnomAD no frequency). This variant has not been reported in the literature in individuals affected with MBD5-related conditions. ClinVar contains an entry for this variant (Variation ID: 95902). Advanced modeling of protein sequence and biophysical properties (such as structural, functional, and spatial information, amino acid conservation, physicochemical variation, residue mobility, and thermodynamic stability) performed at Invitae indicates that this missense variant is not expected to disrupt MBD5 protein function with a negative predictive value of 80%. In summary, the available evidence is currently insufficient to determine the role of this variant in disease. Therefore, it has been classified as a Variant of Uncertain Significance.

Revvity Omics, Revvity
Classification: Uncertain significance. Last evaluated: 2022-03-23. Review status: criteria provided, single submitter. Criteria: ACMG Guidelines, 2015. Collection method: clinical testing. Allele origin: germline.

Eurofins Ntd Llc (ga)
Classification: Uncertain significance. Last evaluated: 2015-08-20. Review status: criteria provided, single submitter. Criteria: EGL Classification Definitions 2015. Collection method: clinical testing. Allele origin: germline. Observed: 1 variant allele, 1 heterozygote.